The following is an entry in ClinVar:

NM_012128.4(CLCA4):c.482G>A (p.Arg161Gln)

Gene: CLCA4 (chloride channel accessory 4; plus strand). Cytogenetic location: 1p22.3.
Variant type: single nucleotide variant.
Coding change: c.482G>A on transcript NM_012128.4 (MANE Select); coding-DNA position 482, G replaced by A.
Protein change: p.Arg161Gln; replaces arginine 161 with glutamine.
Molecular consequence: missense variant.
Genome position (GRCh38, 1-based): chr1:86,563,694, G>A. VCF-style: chr1-86563694-G-A. GRCh37 (hg19) VCF-style: chr1-87029377-G-A.
Other names: short protein forms R161Q.
Identifiers: ClinVar variation 2281278 (VCV002281278.4), dbSNP rs377252384, ClinGen allele CA935305.

ClinVar aggregate classification (germline): Uncertain significance. Review status: criteria provided, single submitter (1 of 4 stars). 2 submissions from 2 submitters: Uncertain significance (1). 1 of the submissions does not count toward it. Last evaluated 2022-04-06.

Conditions:
Autism (AUTS). Also called: Autistic disorder; Autistic disorder of childhood onset. Identifiers: MedGen C0004352, MeSH D001321, MONDO:0005260, OMIM 209850, HP:0000717.

Allele frequency attached by ClinVar (database versions not stated): gnomAD 0.00001; TOPMed 0.00001; gnomAD exomes 0.00002; ExAC 0.00004; ESP Exome Variant Server 0.00008.
gnomAD v4.1: 31 of 1,603,636 alleles (0.0019%); highest among the groups gnomAD compares: Middle Eastern, 0.049%; no homozygotes.

Submissions (2):

Ambry Genetics
Classification: Uncertain significance. Last evaluated: 2022-04-06. Review status: criteria provided, single submitter. Criteria: Ambry Variant Classification Scheme 2023. Collection method: clinical testing. Allele origin: germline.

Centre for Addiction & Mental Health
Classification: Uncertain significance for Autism. Review status: no assertion criteria provided. Collection method: research. Allele origin: biparental. Affected: yes. Observed: 1 homozygote. Segregation with disease observed. Not counted in ClinVar's aggregate classification.
Comment: Gene not previously associated with disease; independent supportng evidence needed